The following is an entry in ClinVar:

NM_020207.7(ERCC6L2):c.2440G>A (p.Ala814Thr)

Gene: ERCC6L2 (ERCC excision repair 6 like 2; plus strand). Cytogenetic location: 9q22.32.
Variant type: single nucleotide variant.
Coding change: c.2440G>A on transcript NM_020207.7 (MANE Select); coding-DNA position 2440, G replaced by A.
Protein change: p.Ala814Thr; replaces alanine 814 with threonine.
Molecular consequence: missense variant. On other transcripts: non-coding transcript variant (1).
Genome position (GRCh38, 1-based): chr9:95,972,191, G>A. VCF-style: chr9-95972191-G-A. GRCh37 (hg19) VCF-style: chr9-98734473-G-A.
Other names: c.2440G>A, p.Ala814Thr (NM_001375291.1, NM_001375292.1, NM_001375293.1 and 1 more transcripts); short protein forms A814T.
Identifiers: ClinVar variation 1487332 (VCV001487332.6), dbSNP rs1019835996, ClinGen allele CA196597393.
Genomic context (GRCh38, chr9:95,972,191, plus strand): 5'-GGTTTCTCGAAATTGCTTGAAACAAAATGTAAAGCAGTTGAGGATAGTGATGGAAATACT[G>A]CCTCTGATGATGAAAGTTCTGATGAGCAGCCCACATGCCTTTCAACAGAAGCCAAAGATG-3'
Protein context (NP_064592.3, residues 804-824): KAVEDSDGNT[Ala814Thr]SDDESSDEQP

ClinVar aggregate classification (germline): Uncertain significance (1 of 4 stars; one submission).

Allele frequency attached by ClinVar (database versions not stated): gnomAD exomes 0.00005 and 0.00012; gnomAD 0.00016 and 0.00017; TOPMed 0.00020.
gnomAD v4.1: 43 of 1,304,120 alleles (0.0033%); highest among the groups gnomAD compares: Admixed American, 0.092%; no homozygotes.

Submission:

Labcorp Genetics (formerly Invitae), Labcorp
Classification: Uncertain significance. Last evaluated: 2025-10-21. Review status: criteria provided, single submitter. Criteria: Invitae Variant Classification Sherloc (09022015). Collection method: clinical testing. Allele origin: germline.
Comment: This sequence change replaces alanine, which is neutral and non-polar, with threonine, which is neutral and polar, at codon 825 of the ERCC6L2 protein (p.Ala825Thr). This variant is present in population databases (no rsID available, gnomAD 0.08%). This variant has not been reported in the literature in individuals affected with ERCC6L2-related conditions. ClinVar contains an entry for this variant (Variation ID: 1487332). Experimental studies and prediction algorithms are not available or were not evaluated, and the functional significance of this variant is currently unknown. In summary, the available evidence is currently insufficient to determine the role of this variant in disease. Therefore, it has been classified as a Variant of Uncertain Significance.